The following is an entry in ClinVar:

ClinVar aggregate classification (germline): Likely benign. Review status: criteria provided, multiple submitters, no conflicts (2 of 4 stars). 3 submissions from 3 submitters: Likely benign (2). 1 of the submissions does not count toward it. Last evaluated 2025-10-23.

Conditions:
SNAP25-related disorder.
Inborn genetic diseases. Identifiers: MedGen C0950123, MeSH D030342.
Congenital myasthenic syndrome 18. Also called: MYASTHENIC SYNDROME, CONGENITAL, 18, WITH INTELLECTUAL DISABILITY AND ATAXIA. Identifiers: Orphanet 590, MedGen C4225364, MONDO:0014590, OMIM 616330.

Allele frequency attached by ClinVar (database versions not stated): ExAC 0.00005; ESP Exome Variant Server 0.00008; gnomAD 0.00008; TOPMed 0.00011; gnomAD exomes 0.00002 and 0.00004.
gnomAD v4.1: 36 of 1,610,964 alleles (0.0022%); highest among the groups gnomAD compares: African/African-American, 0.013%; no homozygotes.

Submissions (3):

Labcorp Genetics (formerly Invitae), Labcorp
Classification: Likely benign for Congenital myasthenic syndrome 18. Last evaluated: 2025-10-23. Review status: criteria provided, single submitter. Criteria: Invitae Variant Classification Sherloc (09022015). Collection method: clinical testing. Allele origin: germline.

Ambry Genetics
Classification: Likely benign for Inborn genetic diseases. Last evaluated: 2018-04-25. Review status: criteria provided, single submitter. Criteria: Ambry Variant Classification Scheme 2023. Collection method: clinical testing. Allele origin: germline.

PreventionGenetics, part of Exact Sciences
Classification: Likely benign for SNAP25-related condition. Last evaluated: 2023-04-26. Review status: no assertion criteria provided. Collection method: clinical testing. Allele origin: germline. Not counted in ClinVar's aggregate classification.
Comment: This variant is classified as likely benign based on ACMG/AMP sequence variant interpretation guidelines (Richards et al. 2015 PMID: 25741868, with internal and published modifications).

NM_130811.4(SNAP25):c.366C>T (p.Asp122=)

Gene: SNAP25 (synaptosome associated protein 25; plus strand). Cytogenetic location: 20p12.2.
Variant type: single nucleotide variant.
Coding change: c.366C>T on transcript NM_130811.4 (MANE Select); coding-DNA position 366, C replaced by T.
Protein change: p.Asp122=; no amino-acid change (aspartic acid 122 retained).
Molecular consequence: synonymous variant.
Genome position (GRCh38, 1-based): chr20:10,297,009, C>T. VCF-style: chr20-10297009-C-T. GRCh37 (hg19) VCF-style: chr20-10277657-C-T.
Other names: c.366C>T, p.Asp122= (NM_001322902.2, NM_001322903.2, NM_001322904.2 and 7 more transcripts); c.366C>T (NM_130811.3).
Identifiers: ClinVar variation 476113 (VCV000476113.14), dbSNP rs377498338, ClinGen allele CA9763363.
Genomic context (GRCh38, chr20:10,297,009, plus strand): 5'-AAAAGCCTGGGGCAATAATCAGGACGGAGTGGTGGCCAGCCAGCCTGCTCGTGTAGTGGA[C>T]GAACGGGAGCAGATGGCCATCAGTGGCGGCTTCATCCGCAGGTGAGCCTCATGCAGCATA-3'
Protein context (NP_570824.1, residues 112-132): VVASQPARVV[Asp122=]EREQMAISGG